The following is an entry in ClinVar:

ClinVar aggregate classification (germline): Likely benign. Review status: criteria provided, multiple submitters, no conflicts (2 of 4 stars). 2 submissions from 2 submitters: Likely benign (2). Last evaluated 2025-02-03.

Conditions:
Charcot-Marie-Tooth disease type 2. Also called: Charcot-Marie-Tooth type 2. Identifiers: Orphanet 64746, MedGen C0270914, MONDO:0018993.

Allele frequency attached by ClinVar (database versions not stated): gnomAD 0.00001; TOPMed 0.00001; gnomAD exomes 0.00002 and 0.00001; ExAC 0.00002.
gnomAD v4.1: 21 of 1,613,912 alleles (0.0013%); highest among the groups gnomAD compares: East Asian, 0.0089%; no homozygotes.

Submissions (2):

Labcorp Genetics (formerly Invitae), Labcorp
Classification: Likely benign for Charcot-Marie-Tooth disease type 2. Last evaluated: 2025-02-03. Review status: criteria provided, single submitter. Criteria: Invitae Variant Classification Sherloc (09022015). Collection method: clinical testing. Allele origin: germline.

GeneDx
Classification: Likely benign. Last evaluated: 2018-05-31. Review status: criteria provided, single submitter. Criteria: GeneDx Variant Classification (06012015). Collection method: clinical testing. Allele origin: germline. Affected: yes.
Comment: This variant is considered likely benign or benign based on one or more of the following criteria: it is a conservative change, it occurs at a poorly conserved position in the protein, it is predicted to be benign by multiple in silico algorithms, and/or has population frequency not consistent with disease.

NM_014874.4(MFN2):c.1413G>A (p.Glu471=)

Gene: MFN2 (mitofusin 2; plus strand). Cytogenetic location: 1p36.22.
Variant type: single nucleotide variant.
Coding change: c.1413G>A on transcript NM_014874.4 (MANE Select); coding-DNA position 1413, G replaced by A.
Protein change: p.Glu471=; no amino-acid change (glutamic acid 471 retained).
Molecular consequence: synonymous variant.
Genome position (GRCh38, 1-based): chr1:12,004,845, G>A. VCF-style: chr1-12004845-G-A. GRCh37 (hg19) VCF-style: chr1-12064902-G-A.
Other names: c.1413G>A, p.Glu471= (NM_001127660.2).
Identifiers: ClinVar variation 668657 (VCV000668657.11), dbSNP rs745360979, ClinGen allele CA599118.
Genomic context (GRCh38, chr1:12,004,845, plus strand): 5'-GATGGACATGCTTCTCTTAACTTCCCTCTTCTGGTGGCAGGAGCTGCACCGCCACATAGA[G>A]GAAGGACTGGGTCGAAACATGTCTGACCGCTGCTCCACGGCCATCACCAACTCCCTGCAG-3'
Protein context (NP_055689.1, residues 461-481): VYKNELHRHI[Glu471=]EGLGRNMSDR